The following is an entry in ClinVar:

ClinVar aggregate classification (germline): Uncertain significance (1 of 4 stars; one submission).

Submission:

CeGaT Center for Human Genetics Tuebingen
Classification: Uncertain significance. Last evaluated: 2024-07-01. Review status: criteria provided, single submitter. Criteria: CeGaT Center For Human Genetics Tuebingen Variant Classification Criteria Version 2. Collection method: clinical testing. Allele origin: germline. Affected: yes. Observed: 1 variant allele.
Comment: DMD: PM2, PP3

NM_004006.3(DMD):c.10178G>A (p.Gly3393Asp)

Gene: DMD (dystrophin; minus strand). Cytogenetic location: Xp21.2.
Variant type: single nucleotide variant.
Coding change: c.10178G>A on transcript NM_004006.3 (MANE Select); coding-DNA position 10178, G replaced by A.
Protein change: p.Gly3393Asp; replaces glycine 3393 with aspartic acid.
Molecular consequence: missense variant.
Genome position (GRCh38, 1-based): chrX:31,178,714, C>T on the plus strand (G>A on the coding strand, the complement: DMD is on the minus strand). VCF-style: chrX-31178714-C-T. GRCh37 (hg19) VCF-style: chrX-31196831-C-T.
Other names: c.10154G>A, p.Gly3385Asp (NM_000109.4); c.10166G>A, p.Gly3389Asp (NM_004009.3); c.9809G>A, p.Gly3270Asp (NM_004010.3); c.6155G>A, p.Gly2052Asp (NM_004011.4); c.6146G>A, p.Gly2049Asp (NM_004012.4); c.2798G>A, p.Gly933Asp (NM_004013.3, NM_004020.4, NM_004021.3 and 2 more transcripts); c.1991G>A, p.Gly664Asp (NM_004014.3); c.974G>A, p.Gly325Asp (NM_004015.3, NM_004016.3, NM_004017.3 and 2 more transcripts); short protein forms G2049D, G2052D, G325D, G3270D, G3385D, G3389D, G3393D, G664D.
Identifiers: ClinVar variation 3257518 (VCV003257518.17).